The following is an entry in ClinVar:

ClinVar aggregate classification (germline): Conflicting classifications of pathogenicity. Review status: criteria provided, conflicting classifications (1 of 4 stars). 8 submissions from 8 submitters: Uncertain significance (1); Benign (3); Likely benign (3). 1 of the submissions does not count toward it. Last evaluated 2026-05-25.

Conditions:
Cardiovascular phenotype. Identifiers: MedGen CN230736.
CACNA1C-related disorder. Also called: CACNA1C-related condition; CACNA1C-related disorders. Identifiers: MedGen CN381092, MONDO:0700321.
Long QT syndrome (LQTS). Identifiers: MedGen C0023976, MeSH D008133, MONDO:0002442. Disease mechanism: loss of function. Inheritance: Various modes of inheritance.

Allele frequency attached by ClinVar (database versions not stated): gnomAD exomes 0.00007 and 0.00013; ExAC 0.00019; ESP Exome Variant Server 0.00039; 1000 Genomes Project 0.00060; gnomAD 0.00060 and 0.00063; 1000 Genomes Project 30x 0.00062; TOPMed 0.00072.
gnomAD v4.1: 194 of 1,608,994 alleles (0.012%); highest among the groups gnomAD compares: African/African-American, 0.18%; no homozygotes.

Submissions (8):

Women's Health and Genetics/Laboratory Corporation of America, LabCorp
Classification: Benign. Last evaluated: 2026-05-25. Review status: criteria provided, single submitter. Criteria: LabCorp Variant Classification Summary - May 2015. Collection method: clinical testing. Allele origin: germline.

Labcorp Genetics (formerly Invitae), Labcorp
Classification: Benign for Long QT syndrome. Last evaluated: 2026-01-19. Review status: criteria provided, single submitter. Criteria: Invitae Variant Classification Sherloc (09022015). Collection method: clinical testing. Allele origin: germline.

Blueprint Genetics
Classification: Likely benign. Last evaluated: 2024-07-04. Review status: criteria provided, single submitter. Criteria: ACMG Guidelines, 2015. Collection method: clinical testing. Allele origin: germline.

CeGaT Center for Human Genetics Tuebingen
Classification: Likely benign. Last evaluated: 2024-07-01. Review status: criteria provided, single submitter. Criteria: CeGaT Center For Human Genetics Tuebingen Variant Classification Criteria Version 2. Collection method: clinical testing. Allele origin: germline. Affected: yes. Observed: 1 variant allele.
Comment: CACNA1C: BP4, BP7, BS1

Ambry Genetics
Classification: Likely benign for Cardiovascular phenotype. Last evaluated: 2015-11-16. Review status: criteria provided, single submitter. Criteria: Ambry Variant Classification Scheme 2023. Collection method: clinical testing. Allele origin: germline.

GeneDx
Classification: Benign. Last evaluated: 2015-04-13. Review status: criteria provided, single submitter. Criteria: GeneDx Variant Classification (06012015). Collection method: clinical testing. Allele origin: germline. Affected: yes.
Comment: This variant is considered likely benign or benign based on one or more of the following criteria: it is a conservative change, it occurs at a poorly conserved position in the protein, it is predicted to be benign by multiple in silico algorithms, and/or has population frequency not consistent with disease.

Eurofins Ntd Llc (ga)
Classification: Uncertain significance. Last evaluated: 2013-08-08. Review status: criteria provided, single submitter. Criteria: EGL Classification Definitions 2015. Collection method: clinical testing. Allele origin: germline. Observed: 1 variant allele, 1 heterozygote.

PreventionGenetics, part of Exact Sciences
Classification: Likely benign for CACNA1C-related condition. Last evaluated: 2019-04-10. Review status: no assertion criteria provided. Collection method: clinical testing. Allele origin: germline. Not counted in ClinVar's aggregate classification.
Comment: This variant is classified as likely benign based on ACMG/AMP sequence variant interpretation guidelines (Richards et al. 2015 PMID: 25741868, with internal and published modifications).

NM_000719.7(CACNA1C):c.1359C>T (p.Asp453=)

Gene: CACNA1C (calcium voltage-gated channel subunit alpha1 C; plus strand). Cytogenetic location: 12p13.33.
Variant type: single nucleotide variant.
Coding change: c.1359C>T on transcript NM_000719.7 (MANE Select); coding-DNA position 1359, C replaced by T.
Protein change: p.Asp453=; no amino-acid change (aspartic acid 453 retained).
Molecular consequence: synonymous variant.
Genome position (GRCh38, 1-based): chr12:2,512,953, C>T. VCF-style: chr12-2512953-C-T. GRCh37 (hg19) VCF-style: chr12-2622119-C-T.
Other names: c.1359C>T, p.Asp453= (NM_001129827.2, NM_001129829.2, NM_001129830.3 and 18 more transcripts); c.1350C>T, p.Asp450= (NM_001129844.2).
Identifiers: ClinVar variation 93393 (VCV000093393.40), dbSNP rs200330469, ClinGen allele CA221245.
Genomic context (GRCh38, chr12:2,512,953, plus strand): 5'-TCTCAAAGGCTACCTGGATTGGATCACTCAGGCCGAAGACATCGATCCTGAGAATGAGGA[C>T]GAAGGCATGGATGAGGAGAAGCCCCGAAACAGTGAGCAGCCGTCTTCTTCTGTGTTTGGG-3'
Protein context (NP_000710.5, residues 443-463): QAEDIDPENE[Asp453=]EGMDEEKPRN